The following is an entry in ClinVar:

ClinVar aggregate classification (germline): Uncertain significance. Review status: criteria provided, multiple submitters, no conflicts (2 of 4 stars). 2 submissions from 2 submitters: Uncertain significance (2). Last evaluated 2023-08-22.

Conditions:
Cardiovascular phenotype. Identifiers: MedGen CN230736.
Hypertrophic cardiomyopathy. Also called: HYPERTROPHIC MYOCARDIOPATHY. Identifiers: Orphanet 217569, MedGen C0007194, MeSH D002312, MONDO:0005045, HP:0001639.

Submissions (2):

Labcorp Genetics (formerly Invitae), Labcorp
Classification: Uncertain significance for Hypertrophic cardiomyopathy. Last evaluated: 2023-08-22. Review status: criteria provided, single submitter. Criteria: Invitae Variant Classification Sherloc (09022015). Collection method: clinical testing. Allele origin: germline.
Comment: In summary, the available evidence is currently insufficient to determine the role of this variant in disease. Therefore, it has been classified as a Variant of Uncertain Significance. An algorithm developed to predict the effect of missense changes on protein structure and function (PolyPhen-2) suggests that this variant is likely to be disruptive. ClinVar contains an entry for this variant (Variation ID: 1781965). This missense change has been observed in individual(s) with hypertrophic cardiomyopathy (PMID: 30847666). This variant is not present in population databases (gnomAD no frequency). This sequence change replaces leucine, which is neutral and non-polar, with phenylalanine, which is neutral and non-polar, at codon 629 of the MYBPC3 protein (p.Leu629Phe).

Ambry Genetics
Classification: Uncertain significance for Cardiovascular phenotype. Last evaluated: 2017-12-18. Review status: criteria provided, single submitter. Criteria: Ambry Variant Classification Scheme 2023. Collection method: clinical testing. Allele origin: germline.
Comment: The p.L629F variant (also known as c.1885C>T), located in coding exon 19 of the MYBPC3 gene, results from a C to T substitution at nucleotide position 1885. The leucine at codon 629 is replaced by phenylalanine, an amino acid with highly similar properties. This amino acid position is highly conserved in available vertebrate species. In addition, the in silico prediction for this alteration is inconclusive. Since supporting evidence is limited at this time, the clinical significance of this alteration remains unclear.

Literature cited by the submitters: PubMed 30847666 (cited by Labcorp Genetics (formerly Invitae), Labcorp).

NM_000256.3(MYBPC3):c.1885C>T (p.Leu629Phe)

Gene: MYBPC3 (myosin binding protein C3; minus strand). Cytogenetic location: 11p11.2.
Variant type: single nucleotide variant.
Coding change: c.1885C>T on transcript NM_000256.3 (MANE Select); coding-DNA position 1885, C replaced by T.
Protein change: p.Leu629Phe; replaces leucine 629 with phenylalanine.
Molecular consequence: missense variant.
Genome position (GRCh38, 1-based): chr11:47,341,150, G>A on the plus strand (C>T on the coding strand, the complement: MYBPC3 is on the minus strand). VCF-style: chr11-47341150-G-A. GRCh37 (hg19) VCF-style: chr11-47362701-G-A.
Other names: short protein forms L629F.
Identifiers: ClinVar variation 1781965 (VCV001781965.5), dbSNP rs2495759557, ClinGen allele CA380323641.